The following is an entry in ClinVar:

ClinVar aggregate classification (germline): Uncertain significance. Review status: criteria provided, multiple submitters, no conflicts (2 of 4 stars). 3 submissions from 3 submitters: Uncertain significance (2). 1 of the submissions does not count toward it. Last evaluated 2024-06-06.

Conditions:
Hereditary cancer-predisposing syndrome. Also called: Tumor predisposition; Neoplastic Syndromes, Hereditary; Hereditary neoplastic syndrome; Hereditary Cancer Syndrome. Identifiers: Orphanet 140162, MedGen C0027672, MeSH D009386, MONDO:0015356.
Ataxia-telangiectasia syndrome (AT). Also called: Ataxia-telangiectasia, complementation group D; AT, COMPLEMENTATION GROUP C; ATAXIA-TELANGIECTASIA, COMPLEMENTATION GROUP A; ATAXIA-TELANGIECTASIA, FRESNO VARIANT; Ataxia-telangiectasia; Ataxia telangiectasia (A-T). Identifiers: Orphanet 100, MedGen C0004135, MONDO:0008840, OMIM 208900.

Submissions (3):

Labcorp Genetics (formerly Invitae), Labcorp
Classification: Uncertain significance for Ataxia-telangiectasia syndrome. Last evaluated: 2024-06-06. Review status: criteria provided, single submitter. Criteria: Invitae Variant Classification Sherloc (09022015). Collection method: clinical testing. Allele origin: germline.
Comment: This sequence change replaces asparagine, which is neutral and polar, with serine, which is neutral and polar, at codon 2267 of the ATM protein (p.Asn2267Ser). This variant is not present in population databases (gnomAD no frequency). This variant has not been reported in the literature in individuals affected with ATM-related conditions. ClinVar contains an entry for this variant (Variation ID: 957745). An algorithm developed to predict the effect of missense changes on protein structure and function (PolyPhen-2) suggests that this variant is likely to be disruptive. In summary, the available evidence is currently insufficient to determine the role of this variant in disease. Therefore, it has been classified as a Variant of Uncertain Significance.

Ambry Genetics
Classification: Uncertain significance for Hereditary cancer-predisposing syndrome. Last evaluated: 2023-10-18. Review status: criteria provided, single submitter. Criteria: Ambry Variant Classification Scheme 2023. Collection method: clinical testing. Allele origin: germline.
Comment: The p.N2267S variant (also known as c.6800A>G), located in coding exon 45 of the ATM gene, results from an A to G substitution at nucleotide position 6800. The asparagine at codon 2267 is replaced by serine, an amino acid with highly similar properties. This amino acid position is highly conserved in available vertebrate species. In addition, this alteration is predicted to be tolerated by in silico analysis. Since supporting evidence is limited at this time, the clinical significance of this alteration remains unclear.

Natera, Inc.
Classification: Uncertain significance for Ataxia-telangiectasia. Last evaluated: 2025-01-23. Review status: no assertion criteria provided. Collection method: clinical testing. Allele origin: germline. Not counted in ClinVar's aggregate classification.

NM_000051.4(ATM):c.6800A>G (p.Asn2267Ser)

Genes: ATM (ATM serine/threonine kinase; plus strand), C11orf65 (chromosome 11 open reading frame 65; minus strand). Cytogenetic location: 11q22.3.
Variant type: single nucleotide variant.
Coding change: c.6800A>G on transcript NM_000051.4 (MANE Select); coding-DNA position 6800, A replaced by G.
Protein change: p.Asn2267Ser; replaces asparagine 2267 with serine.
Molecular consequence: missense variant. On other transcripts: intron variant (2).
Genome position (GRCh38, 1-based): chr11:108,325,537, A>G. VCF-style: chr11-108325537-A-G. GRCh37 (hg19) VCF-style: chr11-108196264-A-G.
Other names: c.6800A>G, p.Asn2267Ser (NM_001351834.2); c.641-16466T>C (NM_001330368.2); c.*38+9683T>C (NM_001351110.2); short protein forms N2267S.
Identifiers: ClinVar variation 957745 (VCV000957745.11), dbSNP rs972348231, ClinGen allele CA382555580.
Genomic context (GRCh38, chr11:108,325,537, plus strand): 5'-TTAAGGACATTCTCACCAAACACCTTGTAGAACTCTCTATACTGGCCAGAACTTTCAAGA[A>G]CACTCAGGTAAATACAATTTAAAACTATGTCATCTTACCTCTTGACTTTCCTTTTATTAT-3'
Protein context (NP_000042.3, residues 2257-2277): ELSILARTFK[Asn2267Ser]TQLPERAIFQ